The following is an entry in ClinVar:

NM_018972.4(GDAP1):c.77T>C (p.Leu26Pro)

Genes: GDAP1 (ganglioside induced differentiation associated protein 1; plus strand), LOC130000622 (ATAC-STARR-seq lymphoblastoid active region 27542; plus strand). Cytogenetic location: 8q21.11.
Variant type: single nucleotide variant.
Coding change: c.77T>C on transcript NM_018972.4 (MANE Select); coding-DNA position 77, T replaced by C.
Protein change: p.Leu26Pro; replaces leucine 26 with proline.
Molecular consequence: missense variant. On other transcripts: 5 prime UTR variant (2), intron variant (1).
Genome position (GRCh38, 1-based): chr8:74,350,538, T>C. VCF-style: chr8-74350538-T-C. GRCh37 (hg19) VCF-style: chr8-75262773-T-C.
Other names: c.-106T>C (NM_001362929.2); c.77T>C, p.Leu26Pro (NM_001362930.2, NM_001362931.2); c.-58T>C (NM_001362932.2); c.-64+66T>C (NM_001040875.4); short protein forms L26P.
Identifiers: ClinVar variation 2161443 (VCV002161443.6), dbSNP rs765075797, ClinGen allele CA371499126.
Genomic context (GRCh38, chr8:74,350,538, plus strand): 5'-AAGAGCAGAGAGGGAGCCCGCCCTTGAGGGCGGAAGGCAAGGCCGACGCGGAGGTTAAGC[T>C]CATTCTGTACCATTGGACGCATTCCTTCAGCTCTCAAAAGGTACAACAGGCCTTGGCGGC-3'
Protein context (NP_061845.2, residues 16-36): AEGKADAEVK[Leu26Pro]ILYHWTHSFS

ClinVar aggregate classification (germline): Uncertain significance. Review status: criteria provided, multiple submitters, no conflicts (2 of 4 stars). 2 submissions from 2 submitters: Uncertain significance (2). Last evaluated 2026-01-25.

Conditions:
Charcot-Marie-Tooth disease type 4A. Also called: Charcot-Marie-Tooth disease, demyelinating, autosomal recessive, type 4a. Identifiers: Orphanet 99948, MedGen C1859198, MONDO:0008961, OMIM 214400.

gnomAD v4.1: 2 of 1,612,606 alleles (0.00012%); highest among the groups gnomAD compares: Non-Finnish European, 0.000085%; no homozygotes.

Submissions (2):

GeneDx
Classification: Uncertain significance. Last evaluated: 2026-01-25. Review status: criteria provided, single submitter. Criteria: GeneDx Variant Classification Process June 2021. Collection method: clinical testing. Allele origin: germline.
Comment: Reported as a variant of uncertain significance in an individual with Charcot-Marie-Tooth disease in published literature; however, no further clinical or segregation information was provided (PMID: 32376792); Not observed at significant frequency in large population cohorts (gnomAD); In silico analysis supports that this missense variant has a deleterious effect on protein structure/function; This variant is associated with the following publications: (PMID: 23628762, 20685671, 20849849, 32376792)

Labcorp Genetics (formerly Invitae), Labcorp
Classification: Uncertain significance for Charcot-Marie-Tooth disease type 4A. Last evaluated: 2022-08-23. Review status: criteria provided, single submitter. Criteria: Invitae Variant Classification Sherloc (09022015). Collection method: clinical testing. Allele origin: germline.
Comment: Advanced modeling of protein sequence and biophysical properties (such as structural, functional, and spatial information, amino acid conservation, physicochemical variation, residue mobility, and thermodynamic stability) performed at Invitae indicates that this missense variant is expected to disrupt GDAP1 protein function. In summary, the available evidence is currently insufficient to determine the role of this variant in disease. Therefore, it has been classified as a Variant of Uncertain Significance. This missense change has been observed in individual(s) with clinical features of GDAP1-related conditions (PMID: 32376792). This sequence change replaces leucine, which is neutral and non-polar, with proline, which is neutral and non-polar, at codon 26 of the GDAP1 protein (p.Leu26Pro). This variant is not present in population databases (gnomAD no frequency).

Literature cited by the submitters: PubMed 32376792 (cited by Labcorp Genetics (formerly Invitae), Labcorp).